The following is an entry in ClinVar:

NM_001384900.1(SEMA3D):c.1833G>A (p.Leu611=)

Gene: SEMA3D (semaphorin 3D; minus strand). Cytogenetic location: 7q21.11.
Variant type: single nucleotide variant.
Coding change: c.1833G>A on transcript NM_001384900.1 (MANE Select); coding-DNA position 1833, G replaced by A.
Protein change: p.Leu611=; no amino-acid change (leucine 611 retained).
Molecular consequence: synonymous variant.
Genome position (GRCh38, 1-based): chr7:85,006,877, C>T on the plus strand (G>A on the coding strand, the complement: SEMA3D is on the minus strand). VCF-style: chr7-85006877-C-T. GRCh37 (hg19) VCF-style: chr7-84636193-C-T.
Other names: c.1833G>A, p.Leu611= (NM_001384901.1, NM_001384902.1, NM_001384903.1 and 1 more transcripts).
Identifiers: ClinVar variation 4991007 (VCV004991007.1).

ClinVar aggregate classification (germline): Likely benign (1 of 4 stars; one submission).

Conditions:
SEMA3D-related disorder. Also called: SEMA3D-related condition.

gnomAD v4.1: 2 of 1,610,640 alleles (0.00012%); highest among the groups gnomAD compares: Non-Finnish European, 0.00017%; 1 homozygote.

Submission:

PreventionGenetics, part of Exact Sciences
Classification: Likely benign for SEMA3D-related condition. Last evaluated: 2026-09-04. Review status: criteria provided, single submitter. Criteria: ACMG Guidelines, 2015. Collection method: clinical testing. Allele origin: germline.
Comment: This variant is classified as likely benign based on ACMG/AMP sequence variant interpretation guidelines (Richards et al. 2015 PMID: 25741868, with internal and published modifications).